The following is an entry in ClinVar:

NM_020442.6(VARS2):c.-27-172C>T

Gene: VARS2 (valyl-tRNA synthetase 2, mitochondrial; plus strand). Cytogenetic location: 6p21.33.
Variant type: single nucleotide variant.
Coding change: c.-27-172C>T on transcript NM_020442.6 (MANE Select); 172 bases into the intron before 27 bases upstream of the start codon, C replaced by T.
Molecular consequence: intron variant.
Genome position (GRCh38, 1-based): chr6:30,914,638, C>T. VCF-style: chr6-30914638-C-T. GRCh37 (hg19) VCF-style: chr6-30882415-C-T.
Other names: c.59-167C>T (NM_001167734.2); c.-220+294C>T (NM_001167733.3).
Identifiers: ClinVar variation 673366 (VCV000673366.1), dbSNP rs1264304, ClinGen allele CA136802473.

ClinVar aggregate classification (germline): Benign (1 of 4 stars; one submission).

Allele frequency attached by ClinVar (database versions not stated): 1000 Genomes Project 0.03435; 1000 Genomes Project 30x 0.03435; TOPMed 0.06943; gnomAD 0.07453 and 0.07620.
gnomAD v4.1: 119,323 of 1,064,428 alleles (11%); highest among the groups gnomAD compares: Non-Finnish European, 14%; 8,424 homozygotes.

Submission:

GeneDx
Classification: Benign. Last evaluated: 2018-06-16. Review status: criteria provided, single submitter. Criteria: GeneDx Variant Classification (06012015). Collection method: clinical testing. Allele origin: germline. Affected: yes.
Comment: This variant is considered likely benign or benign based on one or more of the following criteria: it is a conservative change, it occurs at a poorly conserved position in the protein, it is predicted to be benign by multiple in silico algorithms, and/or has population frequency not consistent with disease.